The following is an entry in ClinVar:

NM_004380.3(CREBBP):c.7210G>A (p.Glu2404Lys)

Gene: CREBBP (CREB binding lysine acetyltransferase; minus strand). Cytogenetic location: 16p13.3.
Variant type: single nucleotide variant.
Coding change: c.7210G>A on transcript NM_004380.3 (MANE Select); coding-DNA position 7210, G replaced by A.
Protein change: p.Glu2404Lys; replaces glutamic acid 2404 with lysine.
Molecular consequence: missense variant.
Genome position (GRCh38, 1-based): chr16:3,727,837, C>T on the plus strand (G>A on the coding strand, the complement: CREBBP is on the minus strand). VCF-style: chr16-3727837-C-T. GRCh37 (hg19) VCF-style: chr16-3777838-C-T.
Other names: c.7096G>A, p.Glu2366Lys (NM_001079846.1); c.7210G>A (NM_004380.2); short protein forms E2404K, E2366K.
Identifiers: ClinVar variation 190267 (VCV000190267.8), dbSNP rs863223334, ClinGen allele CA279194.
Genomic context (GRCh38, chr16:3,727,837, plus strand): 5'-GTTCGCTGGACAGCGCACTCCTGCTGGGGGTGTTCAGCTGGGGGAGCATTGCACTCTGTT[C>T]GGGGTTCCCCAAGTGTCCCTGATCTATGGAGCTGGCCATGGTGACTGCGAGTCCGGGGTG-3'
Protein context (NP_004371.2, residues 2394-2414): SIDQGHLGNP[Glu2404Lys]QSAMLPQLNT

ClinVar aggregate classification (germline): Uncertain significance. Review status: criteria provided, multiple submitters, no conflicts (2 of 4 stars). 5 submissions from 5 submitters: Uncertain significance (4). 1 of the submissions does not count toward it. Last evaluated 2026-07-08.

Conditions:
CREBBP-related disorder. Also called: CREBBP-related condition; CREBBP-related disorders.
Rubinstein-Taybi syndrome (RSTS). Identifiers: Orphanet 783, MedGen C0035934, MONDO:0019188.
Rubinstein-Taybi syndrome due to CREBBP mutations (RSTS1). Also called: BROAD THUMB-HALLUX SYNDROME; Rubinstein-Taybi syndrome 1; CREBBP-Related Rubinstein-Taybi Syndrome; RUBINSTEIN SYNDROME; RUBINSTEIN-TAYBI SYNDROME 1, INCOMPLETE; BROAD THUMBS AND GREAT TOES, CHARACTERISTIC FACIES, AND IMPAIRED INTELLECTUAL DEVELOPMENT. Identifiers: Orphanet 353277, Orphanet 783, MedGen C4551859, MONDO:0008393, OMIM 180849.
Menke-Hennekam syndrome 1 (MKHK1). Identifiers: MedGen C5193034, MONDO:0020763, OMIM 618332.
Hirschsprung disease, susceptibility to, 1 (HSCR1). Also called: RET-Related Hirschsprung Disease. Identifiers: Orphanet 388, MedGen C3888239, MONDO:0007723, OMIM 142623.

Allele frequency attached by ClinVar (database versions not stated): gnomAD exomes below 0.00001; gnomAD 0.00001; TOPMed 0.00001.
gnomAD v4.1: 5 of 1,613,982 alleles (0.00031%); highest among the groups gnomAD compares: African/African-American, 0.0013%; no homozygotes.

Submissions (5):

PreventionGenetics, part of Exact Sciences
Classification: Uncertain significance for CREBBP-related condition. Last evaluated: 2026-07-08. Review status: criteria provided, single submitter. Criteria: ACMG Guidelines, 2015. Collection method: clinical testing. Allele origin: germline.
Comment: The CREBBP c.7210G>A variant is predicted to result in the amino acid substitution p.Glu2404Lys. To our knowledge, this variant has not been reported in the literature or in a large population database (gnomAD), indicating this variant is rare. At this time, the clinical significance of this variant is uncertain due to the absence of conclusive functional and genetic evidence.

Women's Health and Genetics/Laboratory Corporation of America, LabCorp
Classification: Uncertain significance. Last evaluated: 2025-11-07. Review status: criteria provided, single submitter. Criteria: LabCorp Variant Classification Summary - May 2015. Collection method: clinical testing. Allele origin: germline.
Comment: Variant summary: CREBBP c.7210G>A (p.Glu2404Lys) results in a conservative amino acid change in the encoded protein sequence. Algorithms developed to predict the effect of missense changes on protein structure and function are either unavailable or do not agree on the potential impact of this missense change. The variant was absent in 251364 control chromosomes (gnomAD). The available data on variant occurrences in the general population are insufficient to allow any conclusion about variant significance. c.7210G>A has been observed in individuals affected with Hirschsprung disease (Luzn-Toro_2015). The report does not provide unequivocal conclusions about association of the variant with Rubinstein-Taybi Syndrome. To our knowledge, no experimental evidence demonstrating an impact on protein function has been reported. The following publication have been ascertained in the context of this evaluation (PMID: 26559152). ClinVar contains an entry for this variant (Variation ID: 190267). Based on the evidence outlined above, the variant was classified as uncertain significance.

Labcorp Genetics (formerly Invitae), Labcorp
Classification: Uncertain significance for Rubinstein-Taybi syndrome. Last evaluated: 2025-02-17. Review status: criteria provided, single submitter. Criteria: Invitae Variant Classification Sherloc (09022015). Collection method: clinical testing. Allele origin: germline.
Comment: This sequence change replaces glutamic acid, which is acidic and polar, with lysine, which is basic and polar, at codon 2404 of the CREBBP protein (p.Glu2404Lys). This variant is not present in population databases (gnomAD no frequency). This variant has not been reported in the literature in individuals affected with CREBBP-related conditions. ClinVar contains an entry for this variant (Variation ID: 190267). Invitae Evidence Modeling of protein sequence and biophysical properties (such as structural, functional, and spatial information, amino acid conservation, physicochemical variation, residue mobility, and thermodynamic stability) indicates that this missense variant is not expected to disrupt CREBBP protein function with a negative predictive value of 95%. In summary, the available evidence is currently insufficient to determine the role of this variant in disease. Therefore, it has been classified as a Variant of Uncertain Significance.

Fulgent Genetics
Classification: Uncertain significance for Rubinstein-Taybi syndrome due to CREBBP mutations; Menke-Hennekam syndrome 1. Last evaluated: 2021-07-15. Review status: criteria provided, single submitter. Criteria: ACMG Guidelines, 2015. Collection method: clinical testing. Allele origin: unknown.

Department of Genetics, Reproduction and Fetal Medicine., Institute of Biomedicine of Seville (IBIS), University Hospital Virgen del Rocío/CSIC/University of Seville.
Classification: Uncertain significance for Hirschsprung disease 1. Last evaluated: 2015-04-01. Review status: no assertion criteria provided. Collection method: research. Allele origin: germline. Affected: yes. Not counted in ClinVar's aggregate classification.

Literature cited by the submitters: PubMed 26559152 (cited by Women's Health and Genetics/Laboratory Corporation of America, LabCorp).